The following is an entry in ClinVar:

ClinVar aggregate classification (germline): Uncertain significance (1 of 4 stars; one submission).

Conditions:
PLXNA4-related disorder. Also called: PLXNA4-related condition.

Allele frequency attached by ClinVar (database versions not stated): gnomAD exomes 0.00003; ExAC 0.00004; ESP Exome Variant Server 0.00008; 1000 Genomes Project 30x 0.00016; TOPMed 0.00016; gnomAD 0.00017; 1000 Genomes Project 0.00020.
gnomAD v4.1: 78 of 1,613,954 alleles (0.0048%); highest among the groups gnomAD compares: African/African-American, 0.068%; no homozygotes.

Submission:

PreventionGenetics, part of Exact Sciences
Classification: Uncertain significance for PLXNA4-related condition. Last evaluated: 2026-05-09. Review status: criteria provided, single submitter. Criteria: ACMG Guidelines, 2015. Collection method: clinical testing. Allele origin: germline.
Comment: The PLXNA4 c.1421G>A variant is predicted to result in the amino acid substitution p.Arg474Gln. To our knowledge, this variant has not been reported in the literature. This variant is reported in 0.050% of alleles in individuals of African descent in gnomAD. At this time, the clinical significance of this variant is uncertain due to the absence of conclusive functional and genetic evidence.

NM_020911.2(PLXNA4):c.1372-87024G>A

Gene: PLXNA4 (plexin A4; minus strand). Cytogenetic location: 7q32.3.
Variant type: single nucleotide variant.
Coding change: c.1372-87024G>A on transcript NM_020911.2 (MANE Select); 87024 bases into the intron before coding-DNA position 1372, G replaced by A.
Molecular consequence: intron variant. On other transcripts: missense variant (1).
Genome position (GRCh38, 1-based): chr7:132,385,246, C>T on the plus strand (G>A on the coding strand, the complement: PLXNA4 is on the minus strand). VCF-style: chr7-132385246-C-T. GRCh37 (hg19) VCF-style: chr7-132070005-C-T.
Other names: c.1421G>A, p.Arg474Gln (NM_001105543.2); c.1372-87024G>A (NM_001393897.1); short protein forms R474Q.
Identifiers: ClinVar variation 2634398 (VCV002634398.4), dbSNP rs191301122, ClinGen allele CA4490192.
Genomic context (GRCh38, chr7:132,385,246, plus strand): 5'-TCTCAGTTTGATGAACAGCTGGAGAACAGGAGTTCCAGAGTCACTGTTGCTCTGTGGGAT[C>T]GGGGTCCCGTCTGTAGCTCAAGGGTAGGGCAGAGGCTGGTACCAGGCATCTGGAAAAGAT-3'